The following is an entry in ClinVar:

ClinVar aggregate classification (germline): Uncertain significance (1 of 4 stars; one submission).

Conditions:
Postaxial polydactyly-anterior pituitary anomalies-facial dysmorphism syndrome. Also called: Culler-Jones syndrome. Identifiers: Orphanet 420584, MedGen C4014479, MONDO:0014369, OMIM 615849.
Holoprosencephaly 9 (HPE9). Also called: HOLOPROSENCEPHALY WITH MICROPHTHALMIA AND FIRST BRANCHIAL ARCH ANOMALIES; PITUITARY ANOMALIES WITH HOLOPROSENCEPHALY-LIKE FEATURES. Identifiers: Orphanet 2162, MedGen C1835819, MONDO:0012563, OMIM 610829.

Allele frequency attached by ClinVar (database versions not stated): ExAC 0.00001; gnomAD 0.00001; TOPMed 0.00001.
gnomAD v4.1: 6 of 1,612,206 alleles (0.00037%); highest among the groups gnomAD compares: Non-Finnish European, 0.00051%; no homozygotes.

Submission:

Labcorp Genetics (formerly Invitae), Labcorp
Classification: Uncertain significance for Postaxial polydactyly-anterior pituitary anomalies-facial dysmorphism syndrome; Holoprosencephaly 9. Last evaluated: 2022-06-09. Review status: criteria provided, single submitter. Criteria: Invitae Variant Classification Sherloc (09022015). Collection method: clinical testing. Allele origin: germline.
Comment: In summary, the available evidence is currently insufficient to determine the role of this variant in disease. Therefore, it has been classified as a Variant of Uncertain Significance. Algorithms developed to predict the effect of missense changes on protein structure and function are either unavailable or do not agree on the potential impact of this missense change (SIFT: "Deleterious"; PolyPhen-2: "Probably Damaging"; Align-GVGD: "Class C0"). This variant has not been reported in the literature in individuals affected with GLI2-related conditions. This variant is present in population databases (rs780467517, gnomAD 0.0009%). This sequence change replaces isoleucine, which is neutral and non-polar, with methionine, which is neutral and non-polar, at codon 95 of the GLI2 protein (p.Ile95Met).

NM_001374353.1(GLI2):c.285C>G (p.Ile95Met)

Gene: GLI2 (GLI family zinc finger 2; plus strand). Cytogenetic location: 2q14.2.
Variant type: single nucleotide variant.
Coding change: c.285C>G on transcript NM_001374353.1 (MANE Select); coding-DNA position 285, C replaced by G.
Protein change: p.Ile95Met; replaces isoleucine 95 with methionine.
Molecular consequence: missense variant. On other transcripts: 5 prime UTR variant (1).
Genome position (GRCh38, 1-based): chr2:120,951,273, C>G. VCF-style: chr2-120951273-C-G. GRCh37 (hg19) VCF-style: chr2-121708849-C-G.
Other names: c.285C>G, p.Ile95Met (NM_001371271.1, NM_005270.5); c.-91C>G (NM_001374354.1); short protein forms I95M.
Identifiers: ClinVar variation 1900533 (VCV001900533.5), dbSNP rs780467517, ClinGen allele CA1851491.